The following is an entry in ClinVar:

NM_000268.4(NF2):c.1424T>G (p.Ile475Ser)

Gene: NF2 (NF2, moesin-ezrin-radixin like (MERLIN) tumor suppressor; plus strand). Cytogenetic location: 22q12.2.
Variant type: single nucleotide variant.
Coding change: c.1424T>G on transcript NM_000268.4 (MANE Select); coding-DNA position 1424, T replaced by G.
Protein change: p.Ile475Ser; replaces isoleucine 475 with serine.
Molecular consequence: missense variant. On other transcripts: non-coding transcript variant (1), intron variant (1).
Genome position (GRCh38, 1-based): chr22:29,674,919, T>G. VCF-style: chr22-29674919-T-G. GRCh37 (hg19) VCF-style: chr22-30070908-T-G.
Other names: c.1310T>G, p.Ile437Ser (NM_001407053.1, NM_001407056.1); c.1301T>G, p.Ile434Ser (NM_001407054.1, NM_001407058.1, NM_181829.3); c.1298T>G, p.Ile433Ser (NM_001407055.1, NM_181828.3); c.1289T>G, p.Ile430Ser (NM_001407057.1, NM_001407059.1); c.1424T>G, p.Ile475Ser (NM_001407060.1, NM_001407066.1, NM_016418.5 and 2 more transcripts); c.1166T>G, p.Ile389Ser (NM_001407062.1); c.1175T>G, p.Ile392Ser (NM_001407063.1, NM_001407064.1, NM_181830.3 and 1 more transcripts); c.890T>G, p.Ile297Ser (NM_001407065.1); and 2 more; short protein forms I398S, I437S, I392S, I430S, I433S, I297S, I434S, I475S.
Identifiers: ClinVar variation 3405024 (VCV003405024.1).
Genomic context (GRCh38, chr22:29,674,919, plus strand): 5'-AGCAGGACCTGCAGGAAGCACGCGAGGCGGAGCGAAGAGCCAAGCAGAAGCTCCTGGAGA[T>G]TGCCACCAAGCCCACGTACCCGGTGAGCCTGGGGGCCACCAGCTGGGGCTGCCTTAGTCC-3'
Protein context (NP_000259.1, residues 465-485): ERRAKQKLLE[Ile475Ser]ATKPTYPPMN

ClinVar aggregate classification (germline): Uncertain significance (1 of 4 stars; one submission).

Conditions:
Hereditary cancer-predisposing syndrome. Also called: Neoplastic Syndromes, Hereditary; Tumor predisposition; Hereditary Cancer Syndrome; Hereditary neoplastic syndrome. Identifiers: Orphanet 140162, MedGen C0027672, MeSH D009386, MONDO:0015356.

Submission:

Ambry Genetics
Classification: Uncertain significance for Hereditary cancer-predisposing syndrome. Last evaluated: 2024-10-31. Review status: criteria provided, single submitter. Criteria: Ambry Variant Classification Scheme 2023. Collection method: clinical testing. Allele origin: germline.
Comment: The p.I475S variant (also known as c.1424T>G), located in coding exon 13 of the NF2 gene, results from a T to G substitution at nucleotide position 1424. The isoleucine at codon 475 is replaced by serine, an amino acid with dissimilar properties. This amino acid position is well conserved in available vertebrate species. In addition, this alteration is predicted to be deleterious by in silico analysis. Based on the available evidence, the clinical significance of this variant remains unclear.